The following is an entry in ClinVar:

NM_015164.4(PLEKHM2):c.773G>A (p.Ser258Asn)

Gene: PLEKHM2 (pleckstrin homology and RUN domain containing M2; plus strand). Cytogenetic location: 1p36.21.
Variant type: single nucleotide variant.
Coding change: c.773G>A on transcript NM_015164.4 (MANE Select); coding-DNA position 773, G replaced by A.
Protein change: p.Ser258Asn; replaces serine 258 with asparagine.
Molecular consequence: missense variant.
Genome position (GRCh38, 1-based): chr1:15,725,377, G>A. VCF-style: chr1-15725377-G-A. GRCh37 (hg19) VCF-style: chr1-16051872-G-A.
Other names: c.713G>A, p.Ser238Asn (NM_001410755.1); short protein forms S238N, S258N.
Identifiers: ClinVar variation 3633801 (VCV003633801.2).

ClinVar aggregate classification (germline): Uncertain significance (1 of 4 stars; one submission).

Submission:

Labcorp Genetics (formerly Invitae), Labcorp
Classification: Uncertain significance. Last evaluated: 2024-08-28. Review status: criteria provided, single submitter. Criteria: Invitae Variant Classification Sherloc (09022015). Collection method: clinical testing. Allele origin: germline.
Comment: This sequence change replaces serine, which is neutral and polar, with asparagine, which is neutral and polar, at codon 258 of the PLEKHM2 protein (p.Ser258Asn). This variant is present in population databases (rs752013300, gnomAD 0.004%). This variant has not been reported in the literature in individuals affected with PLEKHM2-related conditions. An algorithm developed to predict the effect of missense changes on protein structure and function (PolyPhen-2) suggests that this variant is likely to be tolerated. In summary, the available evidence is currently insufficient to determine the role of this variant in disease. Therefore, it has been classified as a Variant of Uncertain Significance.